The following is an entry in ClinVar:

NM_001814.6(CTSC):c.1082A>C (p.Lys361Thr)

Gene: CTSC (cathepsin C; minus strand). Cytogenetic location: 11q14.2.
Variant type: single nucleotide variant.
Coding change: c.1082A>C on transcript NM_001814.6 (MANE Select); coding-DNA position 1082, A replaced by C.
Protein change: p.Lys361Thr; replaces lysine 361 with threonine.
Molecular consequence: missense variant.
Genome position (GRCh38, 1-based): chr11:88,294,316, T>G on the plus strand (A>C on the coding strand, the complement: CTSC is on the minus strand). VCF-style: chr11-88294316-T-G. GRCh37 (hg19) VCF-style: chr11-88027484-T-G.
Other names: short protein forms K361T.
Identifiers: ClinVar variation 2127830 (VCV002127830.3), dbSNP rs2496529341, ClinGen allele CA382021916.
Genomic context (GRCh38, chr11:88,294,316, plus strand): 5'-AGGAAGTCATCATATACTTCAAAAGCAACTGCCATGGGCCCATGATGGACCAACTCAAGC[T>G]TCATCAGGGCTTCATTGCAGCCTCCATAGAAACCTCCTACATAGTGGTACTCAGAGGAGT-3'
Protein context (NP_001805.4, residues 351-371): FYGGCNEALM[Lys361Thr]LELVHHGPMA

ClinVar aggregate classification (germline): Uncertain significance (1 of 4 stars; one submission).

Conditions:
Periodontitis, aggressive. Identifiers: MedGen C0031106, MONDO:0980757.
Papillon-Lefèvre syndrome (PALS). Also called: KERATOSIS PALMOPLANTARIS WITH PERIODONTOPATHIA; Papillon-Lefevre Disease. Identifiers: Orphanet 678, MedGen C0030360, MONDO:0009490, OMIM 245000.
Haim-Munk syndrome (HMS). Also called: COCHIN JEWISH DISORDER; KERATOSIS PALMOPLANTARIS WITH PERIODONTOPATHIA AND ONYCHOGRYPOSIS. Identifiers: Orphanet 2342, MedGen C1855627, MONDO:0009491, OMIM 245010.

Allele frequency attached by ClinVar (database versions not stated): gnomAD exomes below 0.00001.
gnomAD v4.1: 5 of 1,614,156 alleles (0.00031%); highest among the groups gnomAD compares: Non-Finnish European, 0.00042%; no homozygotes.

Submission:

Labcorp Genetics (formerly Invitae), Labcorp
Classification: Uncertain significance for Haim-Munk syndrome; Periodontitis, aggressive; Papillon-Lefèvre syndrome. Last evaluated: 2023-07-17. Review status: criteria provided, single submitter. Criteria: Invitae Variant Classification Sherloc (09022015). Collection method: clinical testing. Allele origin: germline.
Comment: In summary, the available evidence is currently insufficient to determine the role of this variant in disease. Therefore, it has been classified as a Variant of Uncertain Significance. Advanced modeling of protein sequence and biophysical properties (such as structural, functional, and spatial information, amino acid conservation, physicochemical variation, residue mobility, and thermodynamic stability) performed at Invitae indicates that this missense variant is expected to disrupt CTSC protein function. ClinVar contains an entry for this variant (Variation ID: 2127830). This variant has not been reported in the literature in individuals affected with CTSC-related conditions. This variant is not present in population databases (gnomAD no frequency). This sequence change replaces lysine, which is basic and polar, with threonine, which is neutral and polar, at codon 361 of the CTSC protein (p.Lys361Thr).